The following is an entry in ClinVar:

ClinVar aggregate classification (germline): Conflicting classifications of pathogenicity. Review status: criteria provided, conflicting classifications (1 of 4 stars). 2 submissions from 2 submitters: Uncertain significance (1); Likely benign (1). Last evaluated 2024-03-14.

Conditions:
Hereditary cancer-predisposing syndrome. Also called: Tumor predisposition; Hereditary neoplastic syndrome; Hereditary Cancer Syndrome; Neoplastic Syndromes, Hereditary. Identifiers: Orphanet 140162, MedGen C0027672, MeSH D009386, MONDO:0015356.
Retinoblastoma (RB1). Also called: RETINOBLASTOMA, SOMATIC. Identifiers: Orphanet 790, MedGen C0035335, MeSH D012175, MONDO:0008380, OMIM 180200, HP:0009919. Disease mechanism: loss of function. Inheritance: Both sporadic and heritable forms are tested..

Submissions (2):

Labcorp Genetics (formerly Invitae), Labcorp
Classification: Uncertain significance for Retinoblastoma. Last evaluated: 2024-03-14. Review status: criteria provided, single submitter. Criteria: Invitae Variant Classification Sherloc (09022015). Collection method: clinical testing. Allele origin: germline.
Comment: This sequence change replaces phenylalanine, which is neutral and non-polar, with cysteine, which is neutral and slightly polar, at codon 159 of the RB1 protein (p.Phe159Cys). This variant is not present in population databases (gnomAD no frequency). This variant has not been reported in the literature in individuals affected with RB1-related conditions. ClinVar contains an entry for this variant (Variation ID: 1462771). Advanced modeling of protein sequence and biophysical properties (such as structural, functional, and spatial information, amino acid conservation, physicochemical variation, residue mobility, and thermodynamic stability) performed at Invitae indicates that this missense variant is not expected to disrupt RB1 protein function with a negative predictive value of 80%. In summary, the available evidence is currently insufficient to determine the role of this variant in disease. Therefore, it has been classified as a Variant of Uncertain Significance.

Ambry Genetics
Classification: Likely benign for Hereditary cancer-predisposing syndrome. Last evaluated: 2023-09-29. Review status: criteria provided, single submitter. Criteria: Ambry Variant Classification Scheme 2023. Collection method: clinical testing. Allele origin: germline.

NM_000321.3(RB1):c.476T>G (p.Phe159Cys)

Gene: RB1 (RB transcriptional corepressor 1; plus strand). Cytogenetic location: 13q14.2.
Variant type: single nucleotide variant.
Coding change: c.476T>G on transcript NM_000321.3 (MANE Select); coding-DNA position 476, T replaced by G.
Protein change: p.Phe159Cys; replaces phenylalanine 159 with cysteine.
Molecular consequence: missense variant.
Genome position (GRCh38, 1-based): chr13:48,345,175, T>G. VCF-style: chr13-48345175-T-G. GRCh37 (hg19) VCF-style: chr13-48919311-T-G.
Other names: c.476T>G (NM_000321.2); short protein forms F159C.
Identifiers: ClinVar variation 1462771 (VCV001462771.9), dbSNP rs2138087738, ClinGen allele CA388252808.
Genomic context (GRCh38, chr13:48,345,175, plus strand): 5'-ATACCAGTACCAAAGTTGATAATGCTATGTCAAGACTGTTGAAGAAGTATGATGTATTGT[T>G]TGCACTCTTCAGCAAATTGGAAAGGTAAAGTAAACATTTTATTAGGTTTACACTCTGATT-3'
Protein context (NP_000312.2, residues 149-169): SRLLKKYDVL[Phe159Cys]ALFSKLERTC